The following is an entry in ClinVar:

NM_018006.5(TRMU):c.333del (p.His112fs)

Gene: TRMU (tRNA mitochondrial 2-thiouridylase; plus strand). Cytogenetic location: 22q13.31.
Variant type: Deletion.
Coding change: c.333del on transcript NM_018006.5 (MANE Select); coding-DNA position 333, one base deleted (T; older notation c.333delT).
Protein change: p.His112fs; shifts the reading frame from histidine 112.
Molecular consequence: frameshift variant. On other transcripts: non-coding transcript variant (1), intron variant (3).
Genome position (GRCh38, 1-based): chr22:46,343,346, T deleted; the last of 6 consecutive T bases (chr22:46,343,341-46,343,346); deleting any one gives the same sequence. VCF-style (leftmost placement, unchanged base first): chr22-46343340-CT-C. GRCh37 (hg19) VCF-style: chr22-46739237-CT-C.
Other names: c.333delT (NM_018006.4); c.333delT, p.His112Ilefs (NM_001008568.2); c.333del, p.His112fs (NM_001282785.2); c.14-3076del (NM_001282782.2); c.-6-3076del (NM_001282783.2, NM_001282784.2); short protein forms H112fs.
Identifiers: ClinVar variation 3240637 (VCV003240637.2), dbSNP rs756600903.

ClinVar aggregate classification (germline): Likely pathogenic. Review status: criteria provided, multiple submitters, no conflicts (2 of 4 stars). 2 submissions from 2 submitters: Likely pathogenic (2). Last evaluated 2024-05-10.

Conditions:
Acute infantile liver failure due to synthesis defect of mtDNA-encoded proteins. Also called: Liver failure acute infantile; LIVER FAILURE, INFANTILE, TRANSIENT; TRMU Deficiency. Identifiers: Orphanet 217371, MedGen C3278664, MONDO:0013111, OMIM 613070.
Aminoglycoside-induced deafness. Also called: DEAFNESS, STREPTOMYCIN-INDUCED; STREPTOMYCIN OTOTOXICITY; MT-RNR1-Related Hearing Loss and Deafness. Identifiers: Orphanet 168609, MedGen C1838854, MONDO:0010799, OMIM 580000.

Submissions (2):

Natera, Inc.
Classification: Likely pathogenic for Acute infantile liver failure due to synthesis defect of mtDNA-encoded proteins. Last evaluated: 2024-05-10. Review status: criteria provided, single submitter. Criteria: Natera Variant Classification Schema (03/2026). Collection method: clinical testing. Allele origin: germline.
Comment: The c.333delT variant in TRMU is a frameshift variant predicted to shift the reading frame beginning at codon 112 and leads to a stop codon 50 codons downstream. This variant is expected to result in nonsense mediated decay, truncation, or a dysfunctional protein product. This variant is rare in the general population with a frequency below the threshold expected for the associated phenotype(s). Given the available evidence, this variant is classified as Likely Pathogenic.

Baylor Genetics
Classification: Likely pathogenic for Aminoglycoside-induced deafness. Last evaluated: 2024-03-05. Review status: criteria provided, single submitter. Criteria: ACMG Guidelines, 2015. Collection method: clinical testing. Allele origin: unknown.